The following is an entry in ClinVar:

NM_000979.4(RPL18):c.187C>T (p.Leu63Phe)

Gene: RPL18 (ribosomal protein L18; minus strand). Cytogenetic location: 19q13.33.
Variant type: single nucleotide variant.
Coding change: c.187C>T on transcript NM_000979.4 (MANE Select); coding-DNA position 187, C replaced by T.
Protein change: p.Leu63Phe; replaces leucine 63 with phenylalanine.
Molecular consequence: missense variant. On other transcripts: non-coding transcript variant (1).
Genome position (GRCh38, 1-based): chr19:48,617,327, G>A on the plus strand (C>T on the coding strand, the complement: RPL18 is on the minus strand). VCF-style: chr19-48617327-G-A. GRCh37 (hg19) VCF-style: chr19-49120584-G-A.
Other names: c.100C>T, p.Leu34Phe (NM_001270490.2); short protein forms L63F, L34F.
Identifiers: ClinVar variation 4781251 (VCV004781251.1).
Genomic context (GRCh38, chr19:48,617,327, plus strand): 5'-AGACCCAGCGGCTCCCAGGTCTACCGTGCTCTCTGGACCAGCCACTCACCATCCGGGAAA[G>A]GGACAGAGGCGGCCGGTTGGTGCGACTCATAAACAACCTCTTCAACACAACCTGGTTGAA-3'
Protein context (NP_000970.1, residues 53-73): MSRTNRPPLS[Leu63Phe]SRMIRKMKLP

ClinVar aggregate classification (germline): Uncertain significance (1 of 4 stars; one submission).

Submission:

Labcorp Genetics (formerly Invitae), Labcorp
Classification: Uncertain significance. Last evaluated: 2025-08-30. Review status: criteria provided, single submitter. Criteria: Invitae Variant Classification Sherloc (09022015). Collection method: clinical testing. Allele origin: germline.
Comment: This sequence change replaces leucine, which is neutral and non-polar, with phenylalanine, which is neutral and non-polar, at codon 63 of the RPL18 protein (p.Leu63Phe). This variant is not present in population databases (gnomAD no frequency). This variant has not been reported in the literature in individuals affected with RPL18-related conditions. An algorithm developed to predict the effect of missense changes on protein structure and function (PolyPhen-2) suggests that this variant is likely to be tolerated. In summary, the available evidence is currently insufficient to determine the role of this variant in disease. Therefore, it has been classified as a Variant of Uncertain Significance.